The following is an entry in ClinVar:

ClinVar aggregate classification (germline): Pathogenic. Review status: criteria provided, multiple submitters, no conflicts (2 of 4 stars). 3 submissions from 3 submitters: Pathogenic (2). 1 of the submissions does not count toward it. Last evaluated 2025-02-28.

Conditions:
3-hydroxy-3-methylglutaryl-CoA synthase deficiency (HMGCS2D). Also called: MITOCHONDRIAL HMG-CoA SYNTHASE DEFICIENCY; HMG-CoA synthase-2 deficiency; HMGCS2 DEFICIENCY. Identifiers: Orphanet 35701, MedGen C2751532, MONDO:0011614, OMIM 605911.

Allele frequency attached by ClinVar (database versions not stated): TOPMed 0.00002.
gnomAD v4.1: 9 of 1,613,652 alleles (0.00056%); highest among the groups gnomAD compares: African/African-American, 0.0053%; no homozygotes.

Submissions (3):

GeneDx
Classification: Pathogenic. Last evaluated: 2025-02-28. Review status: criteria provided, single submitter. Criteria: GeneDx Variant Classification Process June 2021. Collection method: clinical testing. Allele origin: germline. Affected: yes.
Comment: Nonsense variant predicted to result in protein truncation or nonsense mediated decay in a gene for which loss of function is a known mechanism of disease; Not observed at significant frequency in large population cohorts (gnomAD); This variant is associated with the following publications: (PMID: 30283815, 32259399)

Labcorp Genetics (formerly Invitae), Labcorp
Classification: Pathogenic for 3-hydroxy-3-methylglutaryl-CoA synthase deficiency. Last evaluated: 2023-11-27. Review status: criteria provided, single submitter. Criteria: Invitae Variant Classification Sherloc (09022015). Collection method: clinical testing. Allele origin: germline.
Comment: This sequence change creates a premature translational stop signal (p.Arg288*) in the HMGCS2 gene. It is expected to result in an absent or disrupted protein product. Loss-of-function variants in HMGCS2 are known to be pathogenic (PMID: 20346956, 23751782, 25511235). This variant is present in population databases (rs142637231, gnomAD 0.005%). This premature translational stop signal has been observed in individual(s) with clinical features of HMGCS2-related conditions (PMID: 30283815, 32259399). ClinVar contains an entry for this variant (Variation ID: 280473). Algorithms developed to predict the effect of sequence changes on RNA splicing suggest that this variant may disrupt the consensus splice site. For these reasons, this variant has been classified as Pathogenic.

OMIM
Classification: Pathogenic for MITOCHONDRIAL HMG-CoA SYNTHASE DEFICIENCY. Last evaluated: 2021-07-26. Review status: no assertion criteria provided. Collection method: literature only. Allele origin: germline. Not counted in ClinVar's aggregate classification.

Literature cited by the submitters: PubMed 20346956 (cited by Labcorp Genetics (formerly Invitae), Labcorp); PubMed 23751782 (cited by Labcorp Genetics (formerly Invitae), Labcorp); PubMed 25511235 (cited by Labcorp Genetics (formerly Invitae), Labcorp); PubMed 30283815 (cited by Labcorp Genetics (formerly Invitae), Labcorp); PubMed 32259399 (cited by Labcorp Genetics (formerly Invitae), Labcorp and OMIM).

NM_005518.4(HMGCS2):c.862C>T (p.Arg288Ter)

Gene: HMGCS2 (3-hydroxy-3-methylglutaryl-CoA synthase 2; minus strand). Cytogenetic location: 1p12.
Variant type: single nucleotide variant.
Coding change: c.862C>T on transcript NM_005518.4 (MANE Select); coding-DNA position 862, C replaced by T.
Protein change: p.Arg288Ter; replaces arginine 288 with a stop codon.
Molecular consequence: nonsense.
Genome position (GRCh38, 1-based): chr1:119,757,427, G>A on the plus strand (C>T on the coding strand, the complement: HMGCS2 is on the minus strand). VCF-style: chr1-119757427-G-A. GRCh37 (hg19) VCF-style: chr1-120300050-G-A.
Other names: c.736C>T, p.Arg246Ter (NM_001166107.1); short protein forms R246*, R288*.
Identifiers: ClinVar variation 280473 (VCV000280473.7), dbSNP rs142637231, ClinGen allele CA1037747.